The following is an entry in ClinVar:

ClinVar aggregate classification (germline): Pathogenic. Review status: criteria provided, multiple submitters, no conflicts (2 of 4 stars). 12 submissions from 12 submitters: Pathogenic (9). 3 of the submissions do not count toward it. Last evaluated 2026-04-22.

Conditions:
CDC42-related disorder. Also called: CDC42-related condition; CDC42-related disorders.
Inborn genetic diseases. Identifiers: MedGen C0950123, MeSH D030342.
Takenouchi-Kosaki syndrome. Also called: MACROTHROMBOCYTOPENIA AND MENTAL RETARDATION SYNDROME; Macrothrombocytopenia-lymphedema-developmental delay-facial dysmorphism-camptodactyly syndrome. Identifiers: Orphanet 487796, MedGen C4225222, MONDO:0014757, OMIM 616737.
Fetal anomalies with a likely genetic cause.
Neurodevelopmental disorder. Identifiers: MedGen C1535926, MeSH D065886, MONDO:0700092.
Postnatal growth retardation. Identifiers: MedGen C1859778, HP:0008897.
Abnormality of the immune system. Identifiers: MedGen C4021753, HP:0002715.
Abnormal facial shape. Also called: Dysmorphic facial features; Dysmorphic facies. Identifiers: MedGen C0424503, HP:0001999.
Neurodevelopmental abnormality. Identifiers: MedGen C4022737, HP:0012759.
Abnormality of blood and blood-forming tissues. Identifiers: MedGen C0850715, HP:0001871.

Submissions (12):

NHS Central & South Genomic Laboratory Hub
Classification: Pathogenic for Fetal anomalies with a likely genetic cause. Last evaluated: 2026-04-22. Review status: criteria provided, single submitter. Criteria: ACMG Guidelines, 2015. Collection method: clinical testing. Allele origin: germline. Affected: yes.

Dasa
Classification: Pathogenic. Last evaluated: 2025-10-16. Review status: criteria provided, single submitter. Criteria: DASA Assertion Criteria. Collection method: clinical testing. Allele origin: germline.
Comment: NM_001791.4(CDC42):c.68A>G (p.Tyr23Cys) is a missense variant that results in the substitution of tyrosine with cysteine. De novo occurrence has been reported in an individual with related phenotype. Functional evidence supports a deleterious effect on the gene or gene product (PMID: 29394990; PMID: 39755496; PMID: 33936654). This variant has been recurrently observed in individuals with related phenotype (PMID: 29394990; PMID: 39755496; PMID: 33936654). Multiple computational predictions support a deleterious effect on the gene or gene product. The variant is present at low frequency in population datasets. Based on the available data, this variant is classified as pathogenic.

Blueprint Genetics
Classification: Pathogenic for CDC42-related disorders. Last evaluated: 2024-11-08. Review status: criteria provided, single submitter. Criteria: ACMG Guidelines, 2015. Collection method: clinical testing. Allele origin: germline. Affected: yes. Observed: 2 variant alleles.

3billion
Classification: Pathogenic for Takenouchi-Kosaki syndrome. Last evaluated: 2024-07-30. Review status: criteria provided, single submitter. Criteria: ACMG Guidelines, 2015. Collection method: clinical testing. Allele origin: germline. Affected: yes.
Comment: The variant is not observed in the gnomAD v4.0.0 dataset. Predicted Consequence/Location: Missense changes are a common disease-causing mechanism. In silico tool predictions suggest damaging effect of the variant on gene or gene product [REVEL: 0.94 (>=0.6, sensitivity 0.68 and specificity 0.92); 3Cnet: 0.75 (>=0.6, sensitivity 0.72 and precision 0.9)]. The same nucleotide change resulting in the same amino acid change has been previously reported as pathogenic/likely pathogenic with strong evidence (ClinVar ID: VCV000208731). The variant has been previously reported as de novo in a similarly affected individual (PMID: 29394990). Different missense changes at the same codon (p.Tyr23Asn, p.Tyr23His) have been reported to be associated with CDC42 related disorder (ClinVar ID: VCV000987296 /3billion dataset). Therefore, this variant is classified as Pathogenic according to the recommendation of ACMG/AMP guideline.

Women's Health and Genetics/Laboratory Corporation of America, LabCorp
Classification: Pathogenic for Takenouchi-Kosaki syndrome. Last evaluated: 2022-12-15. Review status: criteria provided, single submitter. Criteria: LabCorp Variant Classification Summary - May 2015. Collection method: clinical testing. Allele origin: germline.
Comment: Variant summary: CDC42 c.68A>G (p.Tyr23Cys) results in a non-conservative amino acid change located in the Small GTP-binding protein domain (IPR005225) of the encoded protein sequence. Five of five in-silico tools predict a damaging effect of the variant on protein function. The variant was absent in 251282 control chromosomes. c.68A>G has been reported in the literature in individuals affected with Macrothrombocytopenia-Lymphedema Delay-Facial Dysmorphism-Camptodactyly Syndrome and related disorders (Martinelli_2018, Flynn_2021, Helbig_2016 and Farwell_2017). These data indicate that the variant is likely to be associated with disease. At least one publication reports experimental evidence evaluating an impact on protein function (Martinelli_2018). The variant showed significantly decreased binding affinity and decreased proliferation. Four clinical diagnostic laboratories have submitted clinical-significance assessments for this variant to ClinVar after 2014 without evidence for independent evaluation. All laboratories classified the variant as pathogenic (n=3) and likely pathogenic (n=1). Based on the evidence outlined above, the variant was classified as pathogenic.

GeneDx
Classification: Pathogenic. Last evaluated: 2022-11-15. Review status: criteria provided, single submitter. Criteria: GeneDx Variant Classification Process June 2021. Collection method: clinical testing. Allele origin: germline. Affected: yes.
Comment: Published functional studies demonstrated a decrease in GAP-stimulated GTP hydrolysis and reduced binding to WASP and FMNL2 proteins, and a wound healing assay showed impaired proliferation of cells (Martinelli et al., 2018); Not observed at significant frequency in large population cohorts (gnomAD); In silico analysis supports that this missense variant has a deleterious effect on protein structure/function; This variant is associated with the following publications: (PMID: 31601675, 26795593, 29394990, 27513193, 32231661, 30696065, 33936654)

Ambry Genetics
Classification: Pathogenic for Inborn genetic diseases. Last evaluated: 2021-07-20. Review status: criteria provided, single submitter. Criteria: Ambry Variant Classification Scheme 2023. Collection method: clinical testing. Allele origin: germline.
Comment: The c.68A>G (p.Y23C) alteration is located in exon 3 (coding exon 1) of the CDC42 gene. This alteration results from an A to G substitution at nucleotide position 68, causing the tyrosine (Y) at amino acid position 23 to be replaced by a cysteine (C). Based on data from the Genome Aggregation Database (gnomAD), the CDC42 c.68A>G alteration was not observed, with coverage at this position. This mutation occurred de novo in two individuals with intellectual deficiency, growth failure, microcephaly, and dysmorphic facial features (Helbig, 2016; Martinelli, 2018; Ambry internal data). Functional analysis demonstrated that the Y23C alteration results in weaker interactions between CDC42 and PAK1, WASP, and FMNL2 as well as a significant decrease in wound healing assay and cell proliferation compared to wild-type (Martinelli, 2018). The p.Y23C alteration is predicted to be deleterious by in silico analysis. Based on the available evidence, this alteration is classified as pathogenic.

Laboratory of Molecular Genetics (Pr. Bezieau's lab), CHU de Nantes
Classification: Pathogenic for Neurodevelopmental disorder. Last evaluated: 2021-03-11. Review status: criteria provided, single submitter. Criteria: ACMG Guidelines, 2015. Collection method: clinical testing. Allele origin: germline. Affected: yes.

CeGaT Center for Human Genetics Tuebingen
Classification: Pathogenic. Last evaluated: 2019-09-01. Review status: criteria provided, single submitter. Criteria: CeGaT Center For Human Genetics Tuebingen Variant Classification Criteria Version 2. Collection method: clinical testing. Allele origin: germline. Affected: yes. Observed: 1 variant allele.

PreventionGenetics, part of Exact Sciences
Classification: Pathogenic for CDC42-related condition. Last evaluated: 2024-05-06. Review status: no assertion criteria provided. Collection method: clinical testing. Allele origin: germline. Not counted in ClinVar's aggregate classification.
Comment: The CDC42 c.68A>G variant is predicted to result in the amino acid substitution p.Tyr23Cys. This variant has been reported de novo in multiple affected individuals in the literature, and functional studies support its pathogenicity (Helbig et al. 2016. PubMed ID: 26795593; Martinelli et al. 2018. PubMed ID: 29394990). This variant has not been reported in a large population database, indicating this variant is rare. This variant is interpreted as pathogenic.

Solve-RD Consortium
Classification: Likely pathogenic for Takenouchi-Kosaki syndrome. Last evaluated: 2022-06-01. Review status: no assertion criteria provided. Collection method: provider interpretation. Allele origin: inherited. Affected: yes. Not counted in ClinVar's aggregate classification.
Comment: Variant confirmed as disease-causing by referring clinical team

Variant identified during reanalysis of unsolved cases by the Solve-RD project. The Solve-RD project has received funding from the European Union’s Horizon 2020 research and innovation programme under grant agreement No 779257.

University of Washington Center for Mendelian Genomics, University of Washington
Classification: Likely pathogenic for Postnatal growth retardation; Abnormal facial shape; Neurodevelopmental abnormality; Abnormality of the immune system; Abnormality of blood and blood-forming tissues. Review status: no assertion criteria provided. Collection method: research. Allele origin: de novo. Affected: yes. Not counted in ClinVar's aggregate classification.

Literature cited by the submitters: PubMed 29394990 (cited by 4 submitters); PubMed 39755496 (cited by Dasa); PubMed 33936654 (cited by Dasa and Women's Health and Genetics/Laboratory Corporation of America, LabCorp); PubMed 26795593 (cited by Women's Health and Genetics/Laboratory Corporation of America, LabCorp and Ambry Genetics); PubMed 27513193 (cited by Women's Health and Genetics/Laboratory Corporation of America, LabCorp); PubMed 39825153 (cited by Solve-RD Consortium).

NM_001791.4(CDC42):c.68A>G (p.Tyr23Cys)

Gene: CDC42 (cell division cycle 42; plus strand). Cytogenetic location: 1p36.12.
Variant type: single nucleotide variant.
Coding change: c.68A>G on transcript NM_001791.4 (MANE Select); coding-DNA position 68, A replaced by G.
Protein change: p.Tyr23Cys; replaces tyrosine 23 with cysteine.
Molecular consequence: missense variant.
Genome position (GRCh38, 1-based): chr1:22,078,546, A>G. VCF-style: chr1-22078546-A-G. GRCh37 (hg19) VCF-style: chr1-22405039-A-G.
Other names: c.68A>G, p.Tyr23Cys (NM_001039802.2, NM_044472.3); short protein forms Y23C.
Identifiers: ClinVar variation 208731 (VCV000208731.57), dbSNP rs797044916, ClinGen allele CA204780.
Genomic context (GRCh38, chr1:22,078,546, plus strand): 5'-CAATTAAGTGTGTTGTTGTGGGCGATGGTGCTGTTGGTAAAACATGTCTCCTGATATCCT[A>G]CACAACAAACAAATTTCCATCGGAATATGTACCGACTGTAAGTATAAAGGCTTCCTTCTG-3'
Protein context (NP_001782.1, residues 13-33): AVGKTCLLIS[Tyr23Cys]TTNKFPSEYV